The following is an entry in ClinVar:

ClinVar aggregate classification (germline): Uncertain significance (1 of 4 stars; one submission).

Conditions:
Fanconi anemia (FA). Also called: Fanconi's anemia. Identifiers: Orphanet 84, MedGen C0015625, MeSH D005199, MONDO:0019391.

Allele frequency attached by ClinVar (database versions not stated): gnomAD 0.00001; gnomAD exomes 0.00002 and 0.00005; TOPMed 0.00002; ExAC 0.00003.
gnomAD v4.1: 78 of 1,613,244 alleles (0.0048%); highest among the groups gnomAD compares: Non-Finnish European, 0.0066%; no homozygotes.

Submission:

Labcorp Genetics (formerly Invitae), Labcorp
Classification: Uncertain significance for Fanconi anemia. Last evaluated: 2024-12-31. Review status: criteria provided, single submitter. Criteria: Invitae Variant Classification Sherloc (09022015). Collection method: clinical testing. Allele origin: germline.
Comment: This sequence change replaces glycine, which is neutral and non-polar, with arginine, which is basic and polar, at codon 1042 of the SLX4 protein (p.Gly1042Arg). This variant is present in population databases (rs750349545, gnomAD 0.004%). This variant has not been reported in the literature in individuals affected with SLX4-related conditions. ClinVar contains an entry for this variant (Variation ID: 456306). An algorithm developed to predict the effect of missense changes on protein structure and function (PolyPhen-2) suggests that this variant is likely to be disruptive. In summary, the available evidence is currently insufficient to determine the role of this variant in disease. Therefore, it has been classified as a Variant of Uncertain Significance.

NM_032444.4(SLX4):c.3124G>C (p.Gly1042Arg)

Gene: SLX4 (SLX4 structure-specific endonuclease subunit; minus strand). Cytogenetic location: 16p13.3.
Variant type: single nucleotide variant.
Coding change: c.3124G>C on transcript NM_032444.4 (MANE Select); coding-DNA position 3124, G replaced by C.
Protein change: p.Gly1042Arg; replaces glycine 1042 with arginine.
Molecular consequence: missense variant.
Genome position (GRCh38, 1-based): chr16:3,590,514, C>G on the plus strand (G>C on the coding strand, the complement: SLX4 is on the minus strand). VCF-style: chr16-3590514-C-G. GRCh37 (hg19) VCF-style: chr16-3640515-C-G.
Other names: c.3124G>C (LRG_503t1); short protein forms G1042R.
Identifiers: ClinVar variation 456306 (VCV000456306.10), dbSNP rs750349545, ClinGen allele CA7865988.